The following is an entry in ClinVar:

ClinVar aggregate classification (germline): Uncertain significance (1 of 4 stars; one submission).

Conditions:
Familial hemophagocytic lymphohistiocytosis 5. Also called: STXBP2-Related Familial Hemophagocytic Lymphohistiocytosis (STXBP2-fHLH). Identifiers: Orphanet 540, MedGen C2751293, MONDO:0013135, OMIM 613101.

Submission:

Labcorp Genetics (formerly Invitae), Labcorp
Classification: Uncertain significance for Familial hemophagocytic lymphohistiocytosis 5. Last evaluated: 2021-03-17. Review status: criteria provided, single submitter. Criteria: Invitae Variant Classification Sherloc (09022015). Collection method: clinical testing. Allele origin: germline.
Comment: In summary, the available evidence is currently insufficient to determine the role of this variant in disease. Therefore, it has been classified as a Variant of Uncertain Significance. Algorithms developed to predict the effect of missense changes on protein structure and function (SIFT, PolyPhen-2, Align-GVGD) all suggest that this variant is likely to be tolerated, but these predictions have not been confirmed by published functional studies and their clinical significance is uncertain. This variant has not been reported in the literature in individuals with STXBP2-related conditions. This variant is not present in population databases (ExAC no frequency). This sequence change replaces glycine with arginine at codon 452 of the STXBP2 protein (p.Gly452Arg). The glycine residue is weakly conserved and there is a moderate physicochemical difference between glycine and arginine.

NM_006949.4(STXBP2):c.1354G>C (p.Gly452Arg)

Gene: STXBP2 (syntaxin binding protein 2; plus strand). Cytogenetic location: 19p13.2.
Variant type: single nucleotide variant.
Coding change: c.1354G>C on transcript NM_006949.4 (MANE Select); coding-DNA position 1354, G replaced by C.
Protein change: p.Gly452Arg; replaces glycine 452 with arginine.
Molecular consequence: missense variant. On other transcripts: non-coding transcript variant (1).
Genome position (GRCh38, 1-based): chr19:7,645,304, G>C. VCF-style: chr19-7645304-G-C. GRCh37 (hg19) VCF-style: chr19-7710190-G-C.
Other names: c.1345G>C, p.Gly449Arg (NM_001127396.3); c.1387G>C, p.Gly463Arg (NM_001272034.2); short protein forms G463R, G452R, G449R.
Identifiers: ClinVar variation 1449474 (VCV001449474.6), dbSNP rs148777693, ClinGen allele CA403161509.